The following is an entry in ClinVar:

NM_000080.4(CHRNE):c.764C>G (p.Ser255Trp)

Genes: C17orf107 (chromosome 17 open reading frame 107; plus strand), CHRNE (cholinergic receptor nicotinic epsilon subunit; minus strand). Cytogenetic location: 17p13.2.
Variant type: single nucleotide variant.
Coding change: c.764C>G on transcript NM_000080.4 (MANE Select); coding-DNA position 764, C replaced by G.
Protein change: p.Ser255Trp; replaces serine 255 with tryptophan.
Molecular consequence: missense variant. On other transcripts: 3 prime UTR variant (1).
Genome position (GRCh38, 1-based): chr17:4,901,028, G>C on the plus strand (C>G on the coding strand, the complement: CHRNE is on the minus strand). VCF-style: chr17-4901028-G-C. GRCh37 (hg19) VCF-style: chr17-4804323-G-C.
Other names: c.*495G>C (NM_001145536.2); short protein forms S255W.
Identifiers: ClinVar variation 2880649 (VCV002880649.3), dbSNP rs1555546765, ClinGen allele CA397304820.

ClinVar aggregate classification (germline): Likely pathogenic (1 of 4 stars; one submission).

Conditions:
Congenital myasthenic syndrome 4A. Also called: CONGENITAL MYASTHENIC SYNDROME TYPE Ia1; Myasthenic syndrome, congenital, 4a, slow-channel; MYASTHENIC SYNDROME, CONGENITAL, 4A, SLOW-CHANNEL, AUTOSOMAL RECESSIVE. Identifiers: Orphanet 590, MedGen C4225413, MONDO:0011600, OMIM 605809.

gnomAD v4.1: 1 of 1,614,038 alleles (0.000062%); highest among the groups gnomAD compares: East Asian, 0.0022%; no homozygotes.

Submission:

Labcorp Genetics (formerly Invitae), Labcorp
Classification: Likely pathogenic for Congenital myasthenic syndrome 4A. Last evaluated: 2022-12-05. Review status: criteria provided, single submitter. Criteria: Invitae Variant Classification Sherloc (09022015). Collection method: clinical testing. Allele origin: germline.
Comment: This sequence change replaces serine, which is neutral and polar, with tryptophan, which is neutral and slightly polar, at codon 255 of the CHRNE protein (p.Ser255Trp). This variant is not present in population databases (gnomAD no frequency). This variant has not been reported in the literature in individuals affected with CHRNE-related conditions. Advanced modeling of protein sequence and biophysical properties (such as structural, functional, and spatial information, amino acid conservation, physicochemical variation, residue mobility, and thermodynamic stability) performed at Invitae indicates that this missense variant is expected to disrupt CHRNE protein function. This variant disrupts the p.Ser255 amino acid residue in CHRNE. Other variant(s) that disrupt this residue have been determined to be pathogenic (PMID: 20562457, 28690392). This suggests that this residue is clinically significant, and that variants that disrupt this residue are likely to be disease-causing. In summary, the currently available evidence indicates that the variant is pathogenic, but additional data are needed to prove that conclusively. Therefore, this variant has been classified as Likely Pathogenic.

Literature cited by the submitters: PubMed 20562457; PubMed 28690392.